The following is an entry in ClinVar:

NM_144687.4(NLRP12):c.1901A>T (p.Gln634Leu)

Gene: NLRP12 (NLR family pyrin domain containing 12; minus strand). Cytogenetic location: 19q13.42.
Variant type: single nucleotide variant.
Coding change: c.1901A>T on transcript NM_144687.4 (MANE Select); coding-DNA position 1901, A replaced by T.
Protein change: p.Gln634Leu; replaces glutamine 634 with leucine.
Molecular consequence: missense variant.
Genome position (GRCh38, 1-based): chr19:53,809,758, T>A on the plus strand (A>T on the coding strand, the complement: NLRP12 is on the minus strand). VCF-style: chr19-53809758-T-A. GRCh37 (hg19) VCF-style: chr19-54313012-T-A.
Other names: c.1901A>T, p.Gln634Leu (NM_001277126.2, NM_001277129.1); short protein forms Q634L.
Identifiers: ClinVar variation 2807286 (VCV002807286.3), dbSNP rs2514331178, ClinGen allele CA407412092.

ClinVar aggregate classification (germline): Uncertain significance (1 of 4 stars; one submission).

Conditions:
Familial cold autoinflammatory syndrome 2 (FCAS2). Identifiers: Orphanet 247868, MedGen C2673198, MONDO:0012724, OMIM 611762.

Submission:

Labcorp Genetics (formerly Invitae), Labcorp
Classification: Uncertain significance for Familial cold autoinflammatory syndrome 2. Last evaluated: 2023-05-09. Review status: criteria provided, single submitter. Criteria: Invitae Variant Classification Sherloc (09022015). Collection method: clinical testing. Allele origin: germline.
Comment: This variant is not present in population databases (gnomAD no frequency). This sequence change replaces glutamine, which is neutral and polar, with leucine, which is neutral and non-polar, at codon 634 of the NLRP12 protein (p.Gln634Leu). This variant has not been reported in the literature in individuals affected with NLRP12-related conditions. In summary, the available evidence is currently insufficient to determine the role of this variant in disease. Therefore, it has been classified as a Variant of Uncertain Significance. Advanced modeling of protein sequence and biophysical properties (such as structural, functional, and spatial information, amino acid conservation, physicochemical variation, residue mobility, and thermodynamic stability) performed at Invitae indicates that this missense variant is not expected to disrupt NLRP12 protein function.